The following is an entry in ClinVar:

ClinVar aggregate classification (germline): Uncertain significance (1 of 4 stars; one submission).

Conditions:
Arrhythmogenic right ventricular dysplasia 11. Also called: ARRHYTHMOGENIC RIGHT VENTRICULAR DYSPLASIA, FAMILIAL, 11; Arrhythmogenic Right Ventricular Dysplasia/Cardiomyopathy11; Arrhythmogenic right ventricular dysplasia 11 with mild palmoplantar keratoderma and woolly hair. Identifiers: MedGen C1864850, MONDO:0012506, OMIM 610476.

Submission:

Labcorp Genetics (formerly Invitae), Labcorp
Classification: Uncertain significance for Arrhythmogenic right ventricular dysplasia 11. Last evaluated: 2024-08-13. Review status: criteria provided, single submitter. Criteria: Invitae Variant Classification Sherloc (09022015). Collection method: clinical testing. Allele origin: germline.
Comment: This sequence change replaces leucine, which is neutral and non-polar, with valine, which is neutral and non-polar, at codon 63 of the DSC2 protein (p.Leu63Val). This variant is not present in population databases (gnomAD no frequency). This variant has not been reported in the literature in individuals affected with DSC2-related conditions. Invitae Evidence Modeling of protein sequence and biophysical properties (such as structural, functional, and spatial information, amino acid conservation, physicochemical variation, residue mobility, and thermodynamic stability) indicates that this missense variant is not expected to disrupt DSC2 protein function with a negative predictive value of 80%. In summary, the available evidence is currently insufficient to determine the role of this variant in disease. Therefore, it has been classified as a Variant of Uncertain Significance.

NM_024422.6(DSC2):c.187C>G (p.Leu63Val)

Gene: DSC2 (desmocollin 2; minus strand). Cytogenetic location: 18q12.1.
Variant type: single nucleotide variant.
Coding change: c.187C>G on transcript NM_024422.6 (MANE Select); coding-DNA position 187, C replaced by G.
Protein change: p.Leu63Val; replaces leucine 63 with valine.
Molecular consequence: missense variant. On other transcripts: 5 prime UTR variant (2).
Genome position (GRCh38, 1-based): chr18:31,092,268, G>C on the plus strand (C>G on the coding strand, the complement: DSC2 is on the minus strand). VCF-style: chr18-31092268-G-C. GRCh37 (hg19) VCF-style: chr18-28672231-G-C.
Other names: c.-243C>G (NM_001406506.1, NM_001406507.1); c.187C>G, p.Leu63Val (NM_004949.5); short protein forms L63V.
Identifiers: ClinVar variation 3689009 (VCV003689009.2).